The following is an entry in ClinVar:

ClinVar aggregate classification (germline): Likely benign (1 of 4 stars; one submission).

Allele frequency attached by ClinVar (database versions not stated): gnomAD 0.00001; gnomAD exomes 0.00001; ExAC 0.00003; 1000 Genomes Project 30x 0.00016; 1000 Genomes Project 0.00020.
gnomAD v4.1: 20 of 1,614,172 alleles (0.0012%); highest among the groups gnomAD compares: South Asian, 0.012%; no homozygotes.

Submission:

CeGaT Center for Human Genetics Tuebingen
Classification: Likely benign. Last evaluated: 2022-09-01. Review status: criteria provided, single submitter. Criteria: CeGaT Center For Human Genetics Tuebingen Variant Classification Criteria Version 2. Collection method: clinical testing. Allele origin: germline. Affected: yes. Observed: 1 variant allele.
Comment: PSEN2: BP4, BP7

NM_000447.3(PSEN2):c.249C>T (p.Tyr83=)

Gene: PSEN2 (presenilin 2; plus strand). Cytogenetic location: 1q42.13.
Variant type: single nucleotide variant.
Coding change: c.249C>T on transcript NM_000447.3 (MANE Select); coding-DNA position 249, C replaced by T.
Protein change: p.Tyr83=; no amino-acid change (tyrosine 83 retained).
Molecular consequence: synonymous variant.
Genome position (GRCh38, 1-based): chr1:226,883,812, C>T. VCF-style: chr1-226883812-C-T. GRCh37 (hg19) VCF-style: chr1-227071513-C-T.
Other names: c.249C>T, p.Tyr83= (NM_012486.3).
Identifiers: ClinVar variation 2639972 (VCV002639972.24), dbSNP rs549378958, ClinGen allele CA1424448.